The following is an entry in ClinVar:

NM_001282225.2(ADA2):c.79G>T (p.Ala27Ser)

Gene: ADA2 (adenosine deaminase 2; minus strand). Cytogenetic location: 22q11.1.
Variant type: single nucleotide variant.
Coding change: c.79G>T on transcript NM_001282225.2 (MANE Select); coding-DNA position 79, G replaced by T.
Protein change: p.Ala27Ser; replaces alanine 27 with serine.
Molecular consequence: missense variant. On other transcripts: splice acceptor variant (2), intron variant (1).
Genome position (GRCh38, 1-based): chr22:17,209,599, C>A on the plus strand (G>T on the coding strand, the complement: ADA2 is on the minus strand). VCF-style: chr22-17209599-C-A. GRCh37 (hg19) VCF-style: chr22-17690489-C-A.
Other names: c.79G>T, p.Ala27Ser (NM_001282226.2); c.-47-1G>T (NM_001282227.2, NM_001282228.2, NM_001282227.1); c.-38-2309G>T (NM_001282229.2); short protein forms A27S.
Identifiers: ClinVar variation 652530 (VCV000652530.16), dbSNP rs766768505, ClinGen allele CA10088342.

ClinVar aggregate classification (germline): Uncertain significance. Review status: criteria provided, multiple submitters, no conflicts (2 of 4 stars). 5 submissions from 5 submitters: Uncertain significance (5). Last evaluated 2025-12-08.

Conditions:
Deficiency of adenosine deaminase 2. Also called: Adenosine Deaminase 2 Deficiency; VASCULITIS, AUTOINFLAMMATION, IMMUNODEFICIENCY, AND HEMATOLOGIC DEFECTS SYNDROME; Polyarteritis nodosa, childhoood-onset. Identifiers: Orphanet 404553, MedGen C3887654, MONDO:0014306, OMIM 615688, MONDO:0100317.
Sneddon syndrome (SNDNS). Also called: LIVEDO RETICULARIS AND CEREBROVASCULAR ACCIDENTS; Idiopathic livedo reticularis with systemic involvement. Identifiers: Orphanet 820, MedGen C0282492, MONDO:0008436, OMIM 182410.
ADA2-related disorder. Also called: ADA2-related condition.
Autoinflammatory syndrome. Identifiers: Orphanet 93665, MedGen C3890737, MONDO:0019751.

Allele frequency attached by ClinVar (database versions not stated): TOPMed 0.00002; gnomAD 0.00003.
gnomAD v4.1: 9 of 1,613,960 alleles (0.00056%); highest among the groups gnomAD compares: Admixed American, 0.0033%; no homozygotes.

Submissions (5):

PreventionGenetics, part of Exact Sciences
Classification: Uncertain significance for ADA2-related condition. Last evaluated: 2025-12-08. Review status: criteria provided, single submitter. Criteria: ACMG Guidelines, 2015. Collection method: clinical testing. Allele origin: germline.
Comment: The ADA2 c.-47-1G>T variant is located in the 5' untranslated region. To our knowledge, this variant has not been reported in the literature. This variant is reported in 0.0028% of alleles in individuals of Latino descent in gnomAD. At this time, the clinical significance of this variant is uncertain due to the absence of conclusive functional and genetic evidence.

Blueprint Genetics
Classification: Uncertain significance. Last evaluated: 2024-11-25. Review status: criteria provided, single submitter. Criteria: ACMG Guidelines, 2015. Collection method: clinical testing. Allele origin: germline.

Labcorp Genetics (formerly Invitae), Labcorp
Classification: Uncertain significance for Deficiency of adenosine deaminase 2. Last evaluated: 2024-01-25. Review status: criteria provided, single submitter. Criteria: Invitae Variant Classification Sherloc (09022015). Collection method: clinical testing. Allele origin: germline.
Comment: This sequence change replaces alanine, which is neutral and non-polar, with serine, which is neutral and polar, at codon 27 of the ADA2 protein (p.Ala27Ser). This variant is present in population databases (rs766768505, gnomAD 0.003%). This variant has not been reported in the literature in individuals affected with ADA2-related conditions. ClinVar contains an entry for this variant (Variation ID: 652530). Advanced modeling of protein sequence and biophysical properties (such as structural, functional, and spatial information, amino acid conservation, physicochemical variation, residue mobility, and thermodynamic stability) performed at Invitae indicates that this missense variant is not expected to disrupt ADA2 protein function with a negative predictive value of 80%. Algorithms developed to predict the effect of sequence changes on RNA splicing suggest that this variant may disrupt the consensus splice site. In summary, the available evidence is currently insufficient to determine the role of this variant in disease. Therefore, it has been classified as a Variant of Uncertain Significance.

Fulgent Genetics
Classification: Uncertain significance for Sneddon syndrome; Deficiency of adenosine deaminase 2. Last evaluated: 2022-01-06. Review status: criteria provided, single submitter. Criteria: ACMG Guidelines, 2015. Collection method: clinical testing. Allele origin: unknown.

Genome Diagnostics Laboratory, The Hospital for Sick Children
Classification: Uncertain significance for Autoinflammatory syndrome. Last evaluated: 2021-08-30. Review status: criteria provided, single submitter. Criteria: ACMG Guidelines, 2015. Collection method: clinical testing. Allele origin: germline. Affected: yes.